The following is an entry in ClinVar:

NM_201384.3(PLEC):c.1667G>A (p.Gly556Asp)

Gene: PLEC (plectin; minus strand). Cytogenetic location: 8q24.3.
Variant type: single nucleotide variant.
Coding change: c.1667G>A on transcript NM_201384.3 (MANE Select); coding-DNA position 1667, G replaced by A.
Protein change: p.Gly556Asp; replaces glycine 556 with aspartic acid.
Molecular consequence: missense variant.
Genome position (GRCh38, 1-based): chr8:143,932,863, C>T on the plus strand (G>A on the coding strand, the complement: PLEC is on the minus strand). VCF-style: chr8-143932863-C-T. GRCh37 (hg19) VCF-style: chr8-145007031-C-T.
Other names: c.1748G>A (NM_000445.4); c.1748G>A, p.Gly583Asp (NM_000445.5); c.1625G>A, p.Gly542Asp (NM_201378.4); c.1601G>A, p.Gly534Asp (NM_201379.3); c.2078G>A, p.Gly693Asp (NM_201380.4); c.1571G>A, p.Gly524Asp (NM_201381.3); c.1667G>A, p.Gly556Asp (NM_201382.4); c.1679G>A, p.Gly560Asp (NM_201383.3); short protein forms G524D, G534D, G542D, G556D, G560D, G583D, G693D.
Identifiers: ClinVar variation 1010993 (VCV001010993.6), dbSNP rs1166945836, ClinGen allele CA372580385.
Genomic context (GRCh38, chr8:143,932,863, plus strand): 5'-CGTGCCCGCTCGATCTTGGCCCGGAATTCTTCGATGGACTGGTGCAGGCCTCGGTGGCTG[C>T]CCAGCTGCGCCTCCACGCTGGGCAGGTCCACACCCCACTCAGCGCCATCCACACGGTGCT-3'
Protein context (NP_958786.1, residues 546-566): VDLPSVEAQL[Gly556Asp]SHRGLHQSIE

ClinVar aggregate classification (germline): Uncertain significance. Review status: criteria provided, multiple submitters, no conflicts (2 of 4 stars). 2 submissions from 2 submitters: Uncertain significance (2). Last evaluated 2024-10-29.

Conditions:
PLEC-related disorder. Also called: PLEC-related disorders; PLEC-related condition.
Epidermolysis bullosa simplex 5B, with muscular dystrophy (EBS5B). Also called: Epidermolysis bullosa simplex with muscular dystrophy; EPIDERMOLYSIS BULLOSA SIMPLEX AND LIMB-GIRDLE MUSCULAR DYSTROPHY. Identifiers: Orphanet 257, MedGen C2931072, MONDO:0009181, OMIM 226670.
Epidermolysis bullosa simplex with nail dystrophy (EBS5D). Identifiers: MedGen C4225309, MONDO:0014661, OMIM 616487.
Epidermolysis bullosa simplex 5C, with pyloric atresia (EBS5C). Also called: PLEC-Related Epidermolysis Bullosa with Pyloric Atresia; Epidermolysis bullosa simplex with pyloric atresia; PLEC1-Related Epidermolysis Bullosa with Pyloric Atresia. Identifiers: Orphanet 158684, MedGen C2677349, MONDO:0012807, OMIM 612138.
Epidermolysis bullosa simplex, Ogna type (EBS5A). Also called: Pidermolysis bullosa simplex 5A, Ogna type; EPIDERMOLYSIS BULLOSA SIMPLEX 5A, OGNA TYPE. Identifiers: Orphanet 79401, MedGen C0432317, MONDO:0007555, OMIM 131950.
Autosomal recessive limb-girdle muscular dystrophy type 2Q (LGMDR17). Also called: MUSCULAR DYSTROPHY, LIMB-GIRDLE, AUTOSOMAL RECESSIVE 17. Identifiers: Orphanet 254361, MedGen C3150989, MONDO:0013390, OMIM 613723.

Allele frequency attached by ClinVar (database versions not stated): gnomAD exomes below 0.00001; gnomAD 0.00001; TOPMed 0.00002.
gnomAD v4.1: 7 of 1,612,050 alleles (0.00043%); highest among the groups gnomAD compares: South Asian, 0.0044%; no homozygotes.

Submissions (2):

PreventionGenetics, part of Exact Sciences
Classification: Uncertain significance for PLEC-related condition. Last evaluated: 2024-10-29. Review status: criteria provided, single submitter. Criteria: ACMG Guidelines, 2015. Collection method: clinical testing. Allele origin: germline.
Comment: The PLEC c.1748G>A variant is predicted to result in the amino acid substitution p.Gly583Asp. To our knowledge, this variant has not been reported in the literature. This variant is reported in 0.12% of alleles in individuals of Latino descent in gnomAD. Although we suspect that this variant may be benign, at this time, the clinical significance of this variant is uncertain due to the absence of conclusive functional and genetic evidence.

Labcorp Genetics (formerly Invitae), Labcorp
Classification: Uncertain significance for Autosomal recessive limb-girdle muscular dystrophy type 2Q; Epidermolysis bullosa simplex, Ogna type; Epidermolysis bullosa simplex with nail dystrophy; Epidermolysis bullosa simplex 5C, with pyloric atresia; Epidermolysis bullosa simplex 5B, with muscular dystrophy. Last evaluated: 2024-01-15. Review status: criteria provided, single submitter. Criteria: Invitae Variant Classification Sherloc (09022015). Collection method: clinical testing. Allele origin: germline.
Comment: This sequence change replaces glycine, which is neutral and non-polar, with aspartic acid, which is acidic and polar, at codon 583 of the PLEC protein (p.Gly583Asp). This variant is present in population databases (no rsID available, gnomAD 0.1%). This variant has not been reported in the literature in individuals affected with PLEC-related conditions. ClinVar contains an entry for this variant (Variation ID: 1010993). Advanced modeling of protein sequence and biophysical properties (such as structural, functional, and spatial information, amino acid conservation, physicochemical variation, residue mobility, and thermodynamic stability) has been performed at Invitae for this missense variant, however the output from this modeling did not meet the statistical confidence thresholds required to predict the impact of this variant on PLEC protein function. In summary, the available evidence is currently insufficient to determine the role of this variant in disease. Therefore, it has been classified as a Variant of Uncertain Significance.